The following is an entry in ClinVar:

ClinVar aggregate classification (germline): Uncertain significance (1 of 4 stars; one submission).

Submission:

Women's Health and Genetics/Laboratory Corporation of America, LabCorp
Classification: Uncertain significance. Last evaluated: 2026-06-05. Review status: criteria provided, single submitter. Criteria: LabCorp Variant Classification Summary - May 2015. Collection method: clinical testing. Allele origin: germline.
Comment: Variant summary: ZMIZ1 c.739A>G (p.Ser247Gly) results in a non-conservative amino acid change in the encoded protein sequence. Algorithms developed to predict the effect of missense changes on protein structure and function are either unavailable or do not agree on the potential impact of this missense change. The variant was absent in 246664 control chromosomes. The available data on variant occurrences in the general population are insufficient to allow any conclusion about variant significance. To our knowledge, no occurrence of c.739A>G in individuals affected with ZMIZ1-related conditions and no experimental evidence demonstrating its impact on protein function have been reported. ClinVar contains an entry for this variant (Variation ID: 3769180). Based on the evidence outlined above, the variant was classified as uncertain significance.

NM_020338.4(ZMIZ1):c.739A>G (p.Ser247Gly)

Gene: ZMIZ1 (zinc finger MIZ-type containing 1; plus strand). Cytogenetic location: 10q22.3.
Variant type: single nucleotide variant.
Coding change: c.739A>G on transcript NM_020338.4 (MANE Select); coding-DNA position 739, A replaced by G.
Protein change: p.Ser247Gly; replaces serine 247 with glycine.
Molecular consequence: missense variant.
Genome position (GRCh38, 1-based): chr10:79,291,157, A>G. VCF-style: chr10-79291157-A-G. GRCh37 (hg19) VCF-style: chr10-81050914-A-G.
Other names: short protein forms S247G.
Identifiers: ClinVar variation 3769180 (VCV003769180.3).